The following is an entry in ClinVar:

ClinVar aggregate classification (germline): Uncertain significance (1 of 4 stars; one submission).

Conditions:
Adams-Oliver syndrome 5 (AOS5). Identifiers: Orphanet 974, MedGen C4014970, MONDO:0014459, OMIM 616028.

Submission:

Labcorp Genetics (formerly Invitae), Labcorp
Classification: Uncertain significance for Adams-Oliver syndrome 5. Last evaluated: 2023-07-17. Review status: criteria provided, single submitter. Criteria: Invitae Variant Classification Sherloc (09022015). Collection method: clinical testing. Allele origin: germline.
Comment: This sequence change replaces serine, which is neutral and polar, with tryptophan, which is neutral and slightly polar, at codon 2198 of the NOTCH1 protein (p.Ser2198Trp). This variant is not present in population databases (gnomAD no frequency). This variant has not been reported in the literature in individuals affected with NOTCH1-related conditions. ClinVar contains an entry for this variant (Variation ID: 1721646). An algorithm developed to predict the effect of missense changes on protein structure and function (PolyPhen-2) suggests that this variant is likely to be disruptive. In summary, the available evidence is currently insufficient to determine the role of this variant in disease. Therefore, it has been classified as a Variant of Uncertain Significance.

NM_017617.5(NOTCH1):c.6593C>G (p.Ser2198Trp)

Gene: NOTCH1 (notch receptor 1; minus strand). Cytogenetic location: 9q34.3.
Variant type: single nucleotide variant.
Coding change: c.6593C>G on transcript NM_017617.5 (MANE Select); coding-DNA position 6593, C replaced by G.
Protein change: p.Ser2198Trp; replaces serine 2198 with tryptophan.
Molecular consequence: missense variant.
Genome position (GRCh38, 1-based): chr9:136,497,146, G>C on the plus strand (C>G on the coding strand, the complement: NOTCH1 is on the minus strand). VCF-style: chr9-136497146-G-C. GRCh37 (hg19) VCF-style: chr9-139391598-G-C.
Other names: short protein forms S2198W.
Identifiers: ClinVar variation 1721646 (VCV001721646.5), dbSNP rs761562076, ClinGen allele CA375631126.